The following is an entry in ClinVar:

NM_000059.4(BRCA2):c.7007+2532G>A

Gene: BRCA2 (BRCA2 DNA repair associated; plus strand). Cytogenetic location: 13q13.1.
Variant type: single nucleotide variant.
Coding change: c.7007+2532G>A on transcript NM_000059.4 (MANE Select); 2532 bases into the intron after coding-DNA position 7007, G replaced by A.
Molecular consequence: intron variant.
Genome position (GRCh38, 1-based): chr13:32,349,428, G>A. VCF-style: chr13-32349428-G-A. GRCh37 (hg19) VCF-style: chr13-32923565-G-A.
Other names: IVS 13+2532G>A.
Identifiers: ClinVar variation 209732 (VCV000209732.1), dbSNP rs11571693, ClinGen allele CA276700.

ClinVar aggregate classification (germline): Benign (3 of 4 stars; one submission).

Conditions:
Breast-ovarian cancer, familial, susceptibility to, 2 (BROVCA2). Also called: BRCA2 Hereditary Breast and Ovarian Cancer. Identifiers: Orphanet 145, MedGen C2675520, MONDO:0012933, OMIM 612555. Disease mechanism: loss of function.

Allele frequency attached by ClinVar (database versions not stated): 1000 Genomes Project 0.00679; gnomAD 0.00722 and 0.00789; 1000 Genomes Project 30x 0.00734; TOPMed 0.00805.
gnomAD v4.1: 1,091 of 152,092 alleles (0.72%); highest among the groups gnomAD compares: African/African-American, 2.5%; 14 homozygotes.

Submission:

Evidence-based Network for the Interpretation of Germline Mutant Alleles (ENIGMA)
Classification: Benign for Breast-ovarian cancer, familial 2. Last evaluated: 2015-01-12. Review status: reviewed by expert panel. Criteria: ENIGMA BRCA1/2 Classification Criteria (2015). Collection method: curation. Allele origin: germline.
Comment: Class 1 not pathogenic based on frequency >1% in an outbred sampleset. Frequency 0.02642 (African), derived from 1000 genomes (2012-04-30).